The following is an entry in ClinVar:

NM_138927.4(SON):c.1403_1578del (p.Glu468fs)

Genes: MIR6501 (microRNA 6501; plus strand), SON (SON DNA and RNA binding protein; plus strand). Cytogenetic location: 21q22.11.
Variant type: Deletion.
Coding change: c.1403_1578del on transcript NM_138927.4 (MANE Select); coding-DNA positions 1403 to 1578, 176 bases deleted.
Protein change: p.Glu468fs; shifts the reading frame from glutamic acid 468.
Molecular consequence: frameshift variant. On other transcripts: non-coding transcript variant (1), intron variant (1).
Genome position (GRCh38, 1-based): chr21:33,550,634-33,550,809, 176 bases deleted. GRCh37 (hg19): chr21:34,922,940-34,923,115.
Other names: c.1403_1578del, p.Glu468fs (NM_001291411.2, NM_032195.3); c.244+4255_244+4430del (NM_001291412.3); short protein forms E468fs.
Identifiers: ClinVar variation 4725003 (VCV004725003.1).

ClinVar aggregate classification (germline): Pathogenic (1 of 4 stars; one submission).

Submission:

Labcorp Genetics (formerly Invitae), Labcorp
Classification: Pathogenic. Last evaluated: 2025-08-07. Review status: criteria provided, single submitter. Criteria: Invitae Variant Classification Sherloc (09022015). Collection method: clinical testing. Allele origin: germline.
Comment: This sequence change creates a premature translational stop signal (p.Glu468Alafs*3) in the SON gene. It is expected to result in an absent or disrupted protein product. Loss-of-function variants in SON are known to be pathogenic (PMID: 27545676, 27545680). This variant is not present in population databases (gnomAD no frequency). This variant has not been reported in the literature in individuals affected with SON-related conditions. For these reasons, this variant has been classified as Pathogenic.

Literature cited by the submitters: PubMed 27545676; PubMed 27545680.